The following is an entry in ClinVar:

ClinVar aggregate classification (germline): Uncertain significance (1 of 4 stars; one submission).

Conditions:
Cerebral creatine deficiency syndrome. Also called: Creatine deficiency syndromes. Identifiers: Orphanet 79172, MedGen C5244016, MONDO:0000456.

Submission:

Labcorp Genetics (formerly Invitae), Labcorp
Classification: Uncertain significance for Cerebral creatine deficiency syndrome. Last evaluated: 2021-08-30. Review status: criteria provided, single submitter. Criteria: Invitae Variant Classification Sherloc (09022015). Collection method: clinical testing. Allele origin: germline.
Comment: This sequence change replaces glycine with tryptophan at codon 175 of the GAMT protein (p.Gly175Trp). The glycine residue is highly conserved and there is a large physicochemical difference between glycine and tryptophan. This variant is not present in population databases (ExAC no frequency). This variant has not been reported in the literature in individuals affected with GAMT-related conditions. Algorithms developed to predict the effect of missense changes on protein structure and function are either unavailable or do not agree on the potential impact of this missense change (SIFT: "Deleterious"; PolyPhen-2: "Probably Damaging"; Align-GVGD: "Class C15"). Algorithms developed to predict the effect of sequence changes on RNA splicing suggest that this variant may create or strengthen a splice site. In summary, the available evidence is currently insufficient to determine the role of this variant in disease. Therefore, it has been classified as a Variant of Uncertain Significance.

NM_000156.6(GAMT):c.523G>T (p.Gly175Trp)

Gene: GAMT (guanidinoacetate N-methyltransferase; minus strand). Cytogenetic location: 19p13.3.
Variant type: single nucleotide variant.
Coding change: c.523G>T on transcript NM_000156.6 (MANE Select); coding-DNA position 523, G replaced by T.
Protein change: p.Gly175Trp; replaces glycine 175 with tryptophan.
Molecular consequence: missense variant.
Genome position (GRCh38, 1-based): chr19:1,398,963, C>A on the plus strand (G>T on the coding strand, the complement: GAMT is on the minus strand). VCF-style: chr19-1398963-C-A. GRCh37 (hg19) VCF-style: chr19-1398962-C-A.
Other names: c.523G>T, p.Gly175Trp (NM_138924.3); short protein forms G175W.
Identifiers: ClinVar variation 853419 (VCV000853419.7), dbSNP rs758371494, ClinGen allele CA402994349.